The following is an entry in ClinVar:

NM_000390.4(CHM):c.1441G>T (p.Glu481Ter)

Gene: CHM (CHM Rab escort protein; minus strand). Cytogenetic location: Xq21.2.
Variant type: single nucleotide variant.
Coding change: c.1441G>T on transcript NM_000390.4 (MANE Select); coding-DNA position 1441, G replaced by T.
Protein change: p.Glu481Ter; replaces glutamic acid 481 with a stop codon.
Molecular consequence: nonsense.
Genome position (GRCh38, 1-based): chrX:85,894,257, C>A on the plus strand (G>T on the coding strand, the complement: CHM is on the minus strand). VCF-style: chrX-85894257-C-A. GRCh37 (hg19) VCF-style: chrX-85149262-C-A.
Other names: c.997G>T, p.Glu333Ter (NM_001320959.1, NM_001362517.1, NM_001362518.2 and 1 more transcripts); short protein forms E333*, E481*.
Identifiers: ClinVar variation 4723978 (VCV004723978.1).

ClinVar aggregate classification (germline): Pathogenic (1 of 4 stars; one submission).

Submission:

Labcorp Genetics (formerly Invitae), Labcorp
Classification: Pathogenic. Last evaluated: 2025-08-18. Review status: criteria provided, single submitter. Criteria: Invitae Variant Classification Sherloc (09022015). Collection method: clinical testing. Allele origin: germline.
Comment: This sequence change creates a premature translational stop signal (p.Glu481*) in the CHM gene. It is expected to result in an absent or disrupted protein product. Loss-of-function variants in CHM are known to be pathogenic (PMID: 9067750, 23811034). This variant is not present in population databases (gnomAD no frequency). This variant has not been reported in the literature in individuals affected with CHM-related conditions. For these reasons, this variant has been classified as Pathogenic.

Literature cited by the submitters: PubMed 9067750; PubMed 23811034.